The following is an entry in ClinVar:

ClinVar aggregate classification (germline): Uncertain significance (1 of 4 stars; one submission).

Allele frequency attached by ClinVar (database versions not stated): TOPMed 0.00001; gnomAD 0.00002.
gnomAD v4.1: 20 of 1,247,428 alleles (0.0016%); highest among the groups gnomAD compares: South Asian, 0.056%; no homozygotes.

Submission:

Labcorp Genetics (formerly Invitae), Labcorp
Classification: Uncertain significance. Last evaluated: 2022-07-12. Review status: criteria provided, single submitter. Criteria: Invitae Variant Classification Sherloc (09022015). Collection method: clinical testing. Allele origin: germline.
Comment: This sequence change falls in intron 3 of the LRRK1 gene. It does not directly change the encoded amino acid sequence of the LRRK1 protein. It affects a nucleotide within the consensus splice site. This variant is not present in population databases (gnomAD no frequency). This variant has not been reported in the literature in individuals affected with LRRK1-related conditions. ClinVar contains an entry for this variant (Variation ID: 1492795). Variants that disrupt the consensus splice site are a relatively common cause of aberrant splicing (PMID: 17576681, 9536098). Algorithms developed to predict the effect of sequence changes on RNA splicing suggest that this variant is not likely to affect RNA splicing. In summary, the available evidence is currently insufficient to determine the role of this variant in disease. Therefore, it has been classified as a Variant of Uncertain Significance.

Literature cited by the submitters: PubMed 17576681; PubMed 9536098.

NM_024652.6(LRRK1):c.261+4G>C

Gene: LRRK1 (leucine rich repeat kinase 1; plus strand). Cytogenetic location: 15q26.3.
Variant type: single nucleotide variant.
Coding change: c.261+4G>C on transcript NM_024652.6 (MANE Select); 4 bases into the intron after coding-DNA position 261, G replaced by C.
Molecular consequence: intron variant.
Genome position (GRCh38, 1-based): chr15:100,973,971, G>C. VCF-style: chr15-100973971-G-C. GRCh37 (hg19) VCF-style: chr15-101514176-G-C.
Identifiers: ClinVar variation 1492795 (VCV001492795.3), dbSNP rs1328342279, ClinGen allele CA710668133.